The following is an entry in ClinVar:

ClinVar aggregate classification (germline): Uncertain significance (1 of 4 stars; one submission).

Conditions:
Polycystic kidney disease, adult type (PKD1). Also called: Polycystic Kidney, Autosomal Dominant; POLYCYSTIC KIDNEY DISEASE, ADULT, TYPE I; Polycystic Kidney Disease 1, Autosomal Dominant; Polycystic kidney disease 1; Polycystic kidney disease 1, severe; POLYCYSTIC KIDNEY DISEASE 1 WITH OR WITHOUT POLYCYSTIC LIVER DISEASE. Identifiers: MedGen C3149841, MONDO:0008263, OMIM 173900.

Submission:

Centre for Mendelian Genomics, University Medical Centre Ljubljana
Classification: Uncertain significance for Polycystic kidney disease, adult type. Last evaluated: 2019-09-26. Review status: criteria provided, single submitter. Criteria: ACMG Guidelines, 2015. Collection method: clinical testing. Allele origin: unknown. Affected: yes.
Comment: This variant was classified as: Uncertain significance. The available evidence on this variant's pathogenicity is insufficient or conflicting. The following ACMG criteria were applied in classifying this variant: PM2,PM4,BS2.

NM_001009944.3(PKD1):c.2720ACGTGGTGG[3] (p.Asp910_Val912dup)

Gene: PKD1 (polycystin 1, transient receptor potential channel interacting; minus strand). Cytogenetic location: 16p13.3.
Variant type: Microsatellite.
Coding change: c.2720ACGTGGTGG[3] on transcript NM_001009944.3 (MANE Select); three copies in a row of the 9-base unit ACGTGGTGG starting at c.2720; the reference has two copies in a row; one copy, 9 bases duplicated.
Protein change: p.Asp910_Val912dup.
Molecular consequence: inframe insertion.
Genome position (GRCh38, 1-based): chr16:2,114,286-2,114,294, CCACCACGT duplicated on the plus strand (ACGTGGTGG on the coding strand, the reverse complement: PKD1 is on the minus strand); duplicating any 9 consecutive bases within chr16:2,114,286-2,114,303 gives the same sequence; the position shown is the placement nearest the transcript's 3' end. VCF-style (leftmost placement, unchanged base first): chr16-2114285-A-ACCACCACGT. GRCh37 (hg19) VCF-style: chr16-2164286-A-ACCACCACGT.
Other names: c.2720ACGTGGTGG[3], p.Asp910_Val912dup (NM_000296.4).
Identifiers: ClinVar variation 931203 (VCV000931203.3), dbSNP rs2092591934, ClinGen allele CA2202049614.